The following is an entry in ClinVar:

ClinVar aggregate classification (germline): Uncertain significance (1 of 4 stars; one submission).

Conditions:
Cardiovascular phenotype. Identifiers: MedGen CN230736.

Submission:

Molecular Diagnostic Laboratory for Inherited Cardiovascular Disease, Montreal Heart Institute
Classification: Uncertain significance for Cardiovascular phenotype. Last evaluated: 2026-03-27. Review status: criteria provided, single submitter. Criteria: ACMG Guidelines, 2015. Collection method: clinical testing. Allele origin: germline. Affected: yes.
Comment: PM2, PP2

NM_170707.4(LMNA):c.599T>G (p.Met200Arg)

Gene: LMNA (lamin A/C; plus strand). Cytogenetic location: 1q22.
Variant type: single nucleotide variant.
Coding change: c.599T>G on transcript NM_170707.4 (MANE Select); coding-DNA position 599, T replaced by G.
Protein change: p.Met200Arg; replaces methionine 200 with arginine.
Molecular consequence: missense variant. On other transcripts: 5 prime UTR variant (4).
Genome position (GRCh38, 1-based): chr1:156,134,488, T>G. VCF-style: chr1-156134488-T-G. GRCh37 (hg19) VCF-style: chr1-156104279-T-G.
Other names: c.41T>G, p.Met14Arg (NM_001407002.1, NM_001407003.1, NM_001406995.1 and 4 more transcripts); c.599T>G, p.Met200Arg (NM_005572.4, NM_170708.4, NM_001282625.2 and 6 more transcripts); c.-66T>G (NM_001406994.1, NM_001406999.1, NM_001407000.1 and 1 more transcripts); c.263T>G, p.Met88Arg (NM_001406998.1, NM_001257374.3, NM_001406989.1); c.356T>G, p.Met119Arg (NM_001282624.2, NM_001406986.1, NM_001406987.1); c.302T>G, p.Met101Arg (NM_001406988.1); short protein forms M101R, M119R, M14R, M200R, M88R.
Identifiers: ClinVar variation 4820462 (VCV004820462.1).